The following is an entry in ClinVar:

ClinVar aggregate classification (germline): Uncertain significance. Review status: criteria provided, multiple submitters, no conflicts (2 of 4 stars). 3 submissions from 3 submitters: Uncertain significance (3). Last evaluated 2024-08-20.

Conditions:
Arrhythmogenic right ventricular dysplasia 10. Also called: ARRHYTHMOGENIC RIGHT VENTRICULAR DYSPLASIA, FAMILIAL, 10; Arrhythmogenic Right Ventricular Dysplasia/Cardiomyopathy10; Arrhythmogenic right ventricular dysplasia/cardiomyopathy, type 10. Identifiers: MedGen C1857777, MONDO:0012434, OMIM 610193.
Cardiomyopathy (CMYO). Also called: Cardiomyopathies. Identifiers: Orphanet 167848, MedGen C0878544, MONDO:0004994, HP:0001638. Inheritance: Various modes of inheritance.
Arrhythmogenic right ventricular cardiomyopathy (ARVD). Also called: Arrhythmogenic right ventricular dysplasia; Cardiomyopathy, ARVC; Arrhythmogenic cardiomyopathy; Arrhythmogenic Right Ventricular Cardiomyopathy (ARVC). Identifiers: Orphanet 247, MedGen C0349788, MeSH D019571, MONDO:0016587. Disease mechanism: loss of function. Inheritance: Various modes of inheritance.

Allele frequency attached by ClinVar (database versions not stated): gnomAD exomes below 0.00001; TOPMed below 0.00001; ExAC 0.00001.
gnomAD v4.1: 5 of 1,591,052 alleles (0.00031%); highest among the groups gnomAD compares: Admixed American, 0.0084%; no homozygotes.

Submissions (3):

Labcorp Genetics (formerly Invitae), Labcorp
Classification: Uncertain significance for Arrhythmogenic right ventricular dysplasia 10. Last evaluated: 2024-08-20. Review status: criteria provided, single submitter. Criteria: Invitae Variant Classification Sherloc (09022015). Collection method: clinical testing. Allele origin: germline.
Comment: This sequence change replaces aspartic acid, which is acidic and polar, with glycine, which is neutral and non-polar, at codon 433 of the DSG2 protein (p.Asp433Gly). This variant is present in population databases (rs749797415, gnomAD 0.02%). This variant has not been reported in the literature in individuals affected with DSG2-related conditions. Invitae Evidence Modeling of protein sequence and biophysical properties (such as structural, functional, and spatial information, amino acid conservation, physicochemical variation, residue mobility, and thermodynamic stability) indicates that this missense variant is not expected to disrupt DSG2 protein function with a negative predictive value of 95%. In summary, the available evidence is currently insufficient to determine the role of this variant in disease. Therefore, it has been classified as a Variant of Uncertain Significance.

Color Diagnostics, LLC DBA Color Health
Classification: Uncertain significance for Cardiomyopathy. Last evaluated: 2024-03-07. Review status: criteria provided, single submitter. Criteria: ACMG Guidelines, 2015. Collection method: clinical testing. Allele origin: germline.
Comment: This missense variant replaces aspartic acid with glycine at codon 433 of the DSG2 protein. Computational prediction is inconclusive regarding the impact of this variant on protein structure and function (internally defined REVEL score threshold 0.5 < inconclusive < 0.7, PMID: 27666373). To our knowledge, functional studies have not been reported for this variant. This variant has not been reported in individuals affected with cardiovascular disorders in the literature. This variant has been identified in 5/240996 chromosomes in the general population by the Genome Aggregation Database (gnomAD). The available evidence is insufficient to determine the role of this variant in disease conclusively. Therefore, this variant is classified as a Variant of Uncertain Significance.

All of Us Research Program, National Institutes of Health
Classification: Uncertain significance for Arrhythmogenic right ventricular cardiomyopathy. Last evaluated: 2023-10-27. Review status: criteria provided, single submitter. Criteria: ACMG Guidelines, 2015. Collection method: clinical testing. Allele origin: germline. Inheritance: Autosomal dominant inheritance. Observed: 2 variant alleles, 2 heterozygotes.
Comment: This missense variant replaces aspartic acid with glycine at codon 433 of the DSG2 protein. Computational prediction is inconclusive regarding the impact of this variant on protein structure and function (internally defined REVEL score threshold 0.5 < inconclusive < 0.7, PMID: 27666373). To our knowledge, functional studies have not been reported for this variant. This variant has not been reported in individuals affected with cardiovascular disorders in the literature. This variant has been identified in 5/240996 chromosomes in the general population by the Genome Aggregation Database (gnomAD). The available evidence is insufficient to determine the role of this variant in disease conclusively. Therefore, this variant is classified as a Variant of Uncertain Significance.

This study involves interpretation of variants in research participants for the purpose of population health screening. Participant phenotype was not available at the time of variant classification. Additional details can be found in publication PMID: 35346344, PMCID: PMC8962531

NM_001943.5(DSG2):c.1298A>G (p.Asp433Gly)

Gene: DSG2 (desmoglein 2; plus strand). Cytogenetic location: 18q12.1.
Variant type: single nucleotide variant.
Coding change: c.1298A>G on transcript NM_001943.5 (MANE Select); coding-DNA position 1298, A replaced by G.
Protein change: p.Asp433Gly; replaces aspartic acid 433 with glycine.
Molecular consequence: missense variant.
Genome position (GRCh38, 1-based): chr18:31,535,287, A>G. VCF-style: chr18-31535287-A-G. GRCh37 (hg19) VCF-style: chr18-29115250-A-G.
Other names: short protein forms D433G.
Identifiers: ClinVar variation 2775221 (VCV002775221.5), dbSNP rs749797415, ClinGen allele CA042032.
Genomic context (GRCh38, chr18:31,535,287, plus strand): 5'-TCATGCAGAATTCAAAATTAATTTTATGTTTGTTTTATGACAGATATGTAAAATTAGAAG[A>G]TAGAGATAATTGGATCTCTGTGGATTCTGTCACATCTGAAATTAAACTTGCAAAACTTCC-3'
Protein context (NP_001934.2, residues 423-443): PAHARYVKLE[Asp433Gly]RDNWISVDSV